The following is an entry in ClinVar:

NM_015046.7(SETX):c.7637del (p.Gly2546fs)

Gene: SETX (senataxin; minus strand). Cytogenetic location: 9q34.13.
Variant type: Deletion.
Coding change: c.7637del on transcript NM_015046.7 (MANE Select); coding-DNA position 7637, one base deleted (G; older notation c.7637delG).
Protein change: p.Gly2546fs; shifts the reading frame from glycine 2546.
Molecular consequence: frameshift variant.
Genome position (GRCh38, 1-based): chr9:132,264,636, C deleted on the plus strand (G on the coding strand, the reverse complement: SETX is on the minus strand); the first of 3 consecutive C bases (chr9:132,264,636-132,264,638); deleting any one gives the same sequence. VCF-style (leftmost placement, unchanged base first): chr9-132264635-GC-G. GRCh37 (hg19) VCF-style: chr9-135140022-GC-G.
Other names: c.7637del, p.Gly2546fs (NM_001351527.2); c.7724del, p.Gly2575fs (NM_001351528.2); short protein forms G2575fs, G2546fs.
Identifiers: ClinVar variation 2089790 (VCV002089790.4), dbSNP rs1326910218, ClinGen allele CA860601987.

ClinVar aggregate classification (germline): Uncertain significance (1 of 4 stars; one submission).

Conditions:
Amyotrophic lateral sclerosis type 4 (ALS4). Also called: NEURONOPATHY, DISTAL HEREDITARY MOTOR, WITH PYRAMIDAL FEATURES; AMYOTROPHIC LATERAL SCLEROSIS 4, JUVENILE. Identifiers: Orphanet 357043, MedGen C1865409, MONDO:0011223, OMIM 602433.
Spinocerebellar ataxia, autosomal recessive, with axonal neuropathy 2 (SCAN2). Also called: Ataxia with Oculomotor Apraxia; Ataxia with Oculomotor Apraxia Type 2; ATAXIA-OCULOMOTOR APRAXIA 2; Ataxia-ocular apraxia-2. Identifiers: Orphanet 64753, MedGen C1853761, MONDO:0018996, OMIM 606002.

Submission:

Labcorp Genetics (formerly Invitae), Labcorp
Classification: Uncertain significance for Amyotrophic lateral sclerosis type 4; Spinocerebellar ataxia, autosomal recessive, with axonal neuropathy 2. Last evaluated: 2022-01-26. Review status: criteria provided, single submitter. Criteria: Invitae Variant Classification Sherloc (09022015). Collection method: clinical testing. Allele origin: germline.
Comment: This sequence change creates a premature translational stop signal (p.Gly2546Alafs*39) in the SETX gene. While this is not anticipated to result in nonsense mediated decay, it is expected to disrupt the last 132 amino acid(s) of the SETX protein. This variant is not present in population databases (gnomAD no frequency). This variant has not been reported in the literature in individuals affected with SETX-related conditions. Experimental studies and prediction algorithms are not available or were not evaluated, and the functional significance of this variant is currently unknown. In summary, the available evidence is currently insufficient to determine the role of this variant in disease. Therefore, it has been classified as a Variant of Uncertain Significance.